The following is an entry in ClinVar:

ClinVar aggregate classification (germline): Likely benign (0 of 4 stars; one submission).

Conditions:
NLRP2-related disorder. Also called: NLRP2-related condition.

Allele frequency attached by ClinVar (database versions not stated): gnomAD exomes below 0.00001; TOPMed 0.00001; gnomAD 0.00002.
gnomAD v4.1: 9 of 1,613,374 alleles (0.00056%); highest among the groups gnomAD compares: Non-Finnish European, 0.00076%; no homozygotes.

Submission:

PreventionGenetics, part of Exact Sciences
Classification: Likely benign for NLRP2-related condition. Last evaluated: 2021-03-02. Review status: no assertion criteria provided. Collection method: clinical testing. Allele origin: germline.
Comment: This variant is classified as likely benign based on ACMG/AMP sequence variant interpretation guidelines (Richards et al. 2015 PMID: 25741868, with internal and published modifications).

NM_017852.5(NLRP2):c.1413A>G (p.Glu471=)

Gene: NLRP2 (NLR family pyrin domain containing 2; plus strand). Cytogenetic location: 19q13.42.
Variant type: single nucleotide variant.
Coding change: c.1413A>G on transcript NM_017852.5 (MANE Select); coding-DNA position 1413, A replaced by G.
Protein change: p.Glu471=; no amino-acid change (glutamic acid 471 retained).
Molecular consequence: synonymous variant. On other transcripts: non-coding transcript variant (1).
Genome position (GRCh38, 1-based): chr19:54,983,111, A>G. VCF-style: chr19-54983111-A-G. GRCh37 (hg19) VCF-style: chr19-55494479-A-G.
Other names: c.1413A>G, p.Glu471= (NM_001174081.3); c.1347A>G, p.Glu449= (NM_001174082.3); c.1344A>G, p.Glu448= (NM_001174083.2); c.1404A>G, p.Glu468= (NM_001348003.2).
Identifiers: ClinVar variation 3032544 (VCV003032544.2), dbSNP rs1480258212, ClinGen allele CA883732857.
Genomic context (GRCh38, chr19:54,983,111, plus strand): 5'-CCTCCTGGCCGCGCAGGGCCTGTGGGCGCAGACGTCCGTGCTTCACCGAGAGGATCTGGA[A>G]AGGCTCGGGGTGCAGGAGTCCGACCTCCGTCTGTTCCTGGACGGAGACATCCTCCGCCAG-3'
Protein context (NP_060322.1, residues 461-481): QTSVLHREDL[Glu471=]RLGVQESDLR